The following is an entry in ClinVar:

ClinVar aggregate classification (germline): Likely benign (1 of 4 stars; one submission).

Allele frequency attached by ClinVar (database versions not stated): gnomAD exomes below 0.00001.
gnomAD v4.1: 1 of 1,575,466 alleles (0.000063%); highest among the groups gnomAD compares: Non-Finnish European, 0.000087%; no homozygotes.

Submission:

Laboratory for Molecular Medicine, Mass General Brigham Personalized Medicine
Classification: Likely benign. Last evaluated: 2015-07-22. Review status: criteria provided, single submitter. Criteria: LMM Criteria. Collection method: clinical testing. Allele origin: germline. Observed: 1 variant allele.
Comment: c.3474-14C>T in intron 27 of ABCC9: This variant is not expected to have clinica l significance because a C>T change at this position does not diverge from the s plice consensus and is therefore unlikely to impact splicing.

NM_020297.4(ABCC9):c.3474-14C>T

Gene: ABCC9 (ATP binding cassette subfamily C member 9; minus strand). Cytogenetic location: 12p12.1.
Variant type: single nucleotide variant.
Coding change: c.3474-14C>T on transcript NM_020297.4 (MANE Select); 14 bases into the intron before coding-DNA position 3474, C replaced by T.
Molecular consequence: intron variant.
Genome position (GRCh38, 1-based): chr12:21,838,184, G>A on the plus strand (C>T on the coding strand, the complement: ABCC9 is on the minus strand). VCF-style: chr12-21838184-G-A. GRCh37 (hg19) VCF-style: chr12-21991118-G-A.
Other names: c.2607-14C>T (NM_001377274.1); c.3474-14C>T (NM_005691.4, NM_001377273.1).
Identifiers: ClinVar variation 227160 (VCV000227160.4), dbSNP rs876657429, ClinGen allele CA10576914.
Genomic context (GRCh38, chr12:21,838,184, plus strand): 5'-GACAGAGCAGAGGGAGCTGGGTACTATCGTCAAGTTCCTGGAGGTCCCTAGTAGAGAGAG[G>A]GGCAAAAATAAACTTCATGTGCATCCAGACTCAAAGACTACCATGTTTATTCTTTAAGAG-3'